The following is an entry in ClinVar:

NM_003839.4(TNFRSF11A):c.598G>A (p.Ala200Thr)

Gene: TNFRSF11A (TNF receptor superfamily member 11a; plus strand). Cytogenetic location: 18q21.33.
Variant type: single nucleotide variant.
Coding change: c.598G>A on transcript NM_003839.4 (MANE Select); coding-DNA position 598, G replaced by A.
Protein change: p.Ala200Thr; replaces alanine 200 with threonine.
Molecular consequence: missense variant.
Genome position (GRCh38, 1-based): chr18:62,360,031, G>A. VCF-style: chr18-62360031-G-A. GRCh37 (hg19) VCF-style: chr18-60027264-G-A.
Other names: c.598G>A, p.Ala200Thr (NM_001270949.2, NM_001270950.2, NM_001270951.2); c.556G>A, p.Ala186Thr (NM_001278268.2); short protein forms A186T, A200T.
Identifiers: ClinVar variation 1924640 (VCV001924640.6), dbSNP rs1568485264, ClinGen allele CA402613787.

ClinVar aggregate classification (germline): Uncertain significance. Review status: criteria provided, multiple submitters, no conflicts (2 of 4 stars). 2 submissions from 2 submitters: Uncertain significance (2). Last evaluated 2024-04-09.

Conditions:
Inborn genetic diseases. Identifiers: MedGen C0950123, MeSH D030342.

gnomAD v4.1: 3 of 1,613,990 alleles (0.00019%); highest among the groups gnomAD compares: Non-Finnish European, 0.00025%; no homozygotes.

Submissions (2):

Labcorp Genetics (formerly Invitae), Labcorp
Classification: Uncertain significance. Last evaluated: 2024-04-09. Review status: criteria provided, single submitter. Criteria: Invitae Variant Classification Sherloc (09022015). Collection method: clinical testing. Allele origin: germline.
Comment: This sequence change replaces alanine, which is neutral and non-polar, with threonine, which is neutral and polar, at codon 200 of the TNFRSF11A protein (p.Ala200Thr). This variant is not present in population databases (gnomAD no frequency). This variant has not been reported in the literature in individuals affected with TNFRSF11A-related conditions. ClinVar contains an entry for this variant (Variation ID: 1924640). Advanced modeling of protein sequence and biophysical properties (such as structural, functional, and spatial information, amino acid conservation, physicochemical variation, residue mobility, and thermodynamic stability) performed at Invitae indicates that this missense variant is not expected to disrupt TNFRSF11A protein function with a negative predictive value of 80%. In summary, the available evidence is currently insufficient to determine the role of this variant in disease. Therefore, it has been classified as a Variant of Uncertain Significance.

Ambry Genetics
Classification: Uncertain significance for Inborn genetic diseases. Last evaluated: 2022-04-21. Review status: criteria provided, single submitter. Criteria: Ambry Variant Classification Scheme 2023. Collection method: clinical testing. Allele origin: germline.